The following is an entry in ClinVar:

NM_001854.4(COL11A1):c.3478G>A (p.Ala1160Thr)

Gene: COL11A1 (collagen type XI alpha 1 chain; minus strand). Cytogenetic location: 1p21.1.
Variant type: single nucleotide variant.
Coding change: c.3478G>A on transcript NM_001854.4 (MANE Select); coding-DNA position 3478, G replaced by A.
Protein change: p.Ala1160Thr; replaces alanine 1160 with threonine.
Molecular consequence: missense variant. On other transcripts: non-coding transcript variant (1).
Genome position (GRCh38, 1-based): chr1:102,935,074, C>T on the plus strand (G>A on the coding strand, the complement: COL11A1 is on the minus strand). VCF-style: chr1-102935074-C-T. GRCh37 (hg19) VCF-style: chr1-103400630-C-T.
Other names: c.3130G>A, p.Ala1044Thr (NM_001168249.1, NM_080630.4); c.3361G>A, p.Ala1121Thr (NM_001190709.2); c.3514G>A, p.Ala1172Thr (NM_080629.3); short protein forms A1044T, A1160T, A1172T, A1121T.
Identifiers: ClinVar variation 1927776 (VCV001927776.5), dbSNP rs145253279, ClinGen allele CA974002.

ClinVar aggregate classification (germline): Uncertain significance (1 of 4 stars; one submission).

Allele frequency attached by ClinVar (database versions not stated): gnomAD exomes below 0.00001; TOPMed below 0.00001; gnomAD 0.00001; ExAC 0.00002; 1000 Genomes Project 30x 0.00016; 1000 Genomes Project 0.00020.
gnomAD v4.1: 2 of 1,614,056 alleles (0.00012%); highest among the groups gnomAD compares: Non-Finnish European, 0.00017%; no homozygotes.

Submission:

Labcorp Genetics (formerly Invitae), Labcorp
Classification: Uncertain significance. Last evaluated: 2022-03-26. Review status: criteria provided, single submitter. Criteria: Invitae Variant Classification Sherloc (09022015). Collection method: clinical testing. Allele origin: germline.
Comment: In summary, the available evidence is currently insufficient to determine the role of this variant in disease. Therefore, it has been classified as a Variant of Uncertain Significance. Advanced modeling of protein sequence and biophysical properties (such as structural, functional, and spatial information, amino acid conservation, physicochemical variation, residue mobility, and thermodynamic stability) performed at Invitae indicates that this missense variant is not expected to disrupt COL11A1 protein function. This variant has not been reported in the literature in individuals affected with COL11A1-related conditions. This variant is not present in population databases (gnomAD no frequency). This sequence change replaces alanine, which is neutral and non-polar, with threonine, which is neutral and polar, at codon 1160 of the COL11A1 protein (p.Ala1160Thr).